The following is an entry in ClinVar:

NM_016123.4(IRAK4):c.1291T>G (p.Ser431Ala)

Gene: IRAK4 (interleukin 1 receptor associated kinase 4; plus strand). Cytogenetic location: 12q12.
Variant type: single nucleotide variant.
Coding change: c.1291T>G on transcript NM_016123.4 (MANE Select); coding-DNA position 1291, T replaced by G.
Protein change: p.Ser431Ala; replaces serine 431 with alanine.
Molecular consequence: missense variant.
Genome position (GRCh38, 1-based): chr12:43,786,501, T>G. VCF-style: chr12-43786501-T-G. GRCh37 (hg19) VCF-style: chr12-44180304-T-G.
Other names: c.1291T>G, p.Ser431Ala (NM_001114182.3, NM_001351345.2); c.919T>G, p.Ser307Ala (NM_001145256.2, NM_001145257.2, NM_001145258.2 and 5 more transcripts); c.682T>G, p.Ser228Ala (NM_001351343.2, NM_001351344.2); short protein forms S228A, S431A, S307A.
Identifiers: ClinVar variation 644295 (VCV000644295.7), dbSNP rs769754150, ClinGen allele CA6522628.
Genomic context (GRCh38, chr12:43,786,501, plus strand): 5'-GAAGATTATATTGATAAAAAGATGAATGATGCTGATTCCACTTCAGTTGAAGCTATGTAC[T>G]CTGTTGCTAGTCAATGTCTGCATGAAAAGAAAAATAAGAGACCAGACATTAAGAAGGTAT-3'
Protein context (NP_057207.2, residues 421-441): ADSTSVEAMY[Ser431Ala]VASQCLHEKK

ClinVar aggregate classification (germline): Uncertain significance. Review status: criteria provided, multiple submitters, no conflicts (2 of 4 stars). 2 submissions from 2 submitters: Uncertain significance (2). Last evaluated 2024-06-10.

Conditions:
Immunodeficiency 67. Also called: Immunodeficiency due to interleukin-1 receptor-associated kinase-4 deficiency. Identifiers: Orphanet 70592, MedGen C1843256, MONDO:0011888, OMIM 607676.
Inborn genetic diseases. Identifiers: MedGen C0950123, MeSH D030342.

Allele frequency attached by ClinVar (database versions not stated): gnomAD exomes 0.00001; ExAC 0.00002.
gnomAD v4.1: 8 of 1,613,592 alleles (0.0005%); highest among the groups gnomAD compares: Non-Finnish European, 0.00059%; no homozygotes.

Submissions (2):

Ambry Genetics
Classification: Uncertain significance for Inborn genetic diseases. Last evaluated: 2024-06-10. Review status: criteria provided, single submitter. Criteria: Ambry Variant Classification Scheme 2023. Collection method: clinical testing. Allele origin: germline.

Labcorp Genetics (formerly Invitae), Labcorp
Classification: Uncertain significance for Immunodeficiency 67. Last evaluated: 2021-09-01. Review status: criteria provided, single submitter. Criteria: Invitae Variant Classification Sherloc (09022015). Collection method: clinical testing. Allele origin: germline.
Comment: This sequence change replaces serine with alanine at codon 431 of the IRAK4 protein (p.Ser431Ala). The serine residue is weakly conserved and there is a moderate physicochemical difference between serine and alanine. This variant is present in population databases (rs769754150, ExAC 0.003%). This variant has not been reported in the literature in individuals affected with IRAK4-related conditions. Algorithms developed to predict the effect of missense changes on protein structure and function output the following: SIFT: "Tolerated"; PolyPhen-2: "Benign"; Align-GVGD: "Class C0". The alanine amino acid residue is found in multiple mammalian species, which suggests that this missense change does not adversely affect protein function. In summary, the available evidence is currently insufficient to determine the role of this variant in disease. Therefore, it has been classified as a Variant of Uncertain Significance.